The following is an entry in ClinVar:

ClinVar aggregate classification (germline): Uncertain significance. Review status: criteria provided, multiple submitters, no conflicts (2 of 4 stars). 3 submissions from 3 submitters: Uncertain significance (3). Last evaluated 2025-12-31.

Conditions:
Cardiovascular phenotype. Identifiers: MedGen CN230736.
Long QT syndrome (LQTS). Identifiers: MedGen C0023976, MeSH D008133, MONDO:0002442. Disease mechanism: loss of function. Inheritance: Various modes of inheritance.
CACNA1C-related disorder. Also called: CACNA1C-related condition; CACNA1C-related disorders. Identifiers: MedGen CN381092, MONDO:0700321.

Submissions (3):

Ambry Genetics
Classification: Uncertain significance for Cardiovascular phenotype. Last evaluated: 2025-12-31. Review status: criteria provided, single submitter. Criteria: Ambry Variant Classification Scheme 2023. Collection method: clinical testing. Allele origin: germline.

PreventionGenetics, part of Exact Sciences
Classification: Uncertain significance for CACNA1C-related condition. Last evaluated: 2025-11-06. Review status: criteria provided, single submitter. Criteria: ACMG Guidelines, 2015. Collection method: clinical testing. Allele origin: germline.
Comment: The CACNA1C c.910A>G variant is predicted to result in the amino acid substitution p.Ile304Val. To our knowledge, this variant has not been reported in the literature or in a large population database (gnomAD), indicating this variant is rare. At this time, the clinical significance of this variant is uncertain due to the absence of conclusive functional and genetic evidence.

Labcorp Genetics (formerly Invitae), Labcorp
Classification: Uncertain significance for Long QT syndrome. Last evaluated: 2024-10-24. Review status: criteria provided, single submitter. Criteria: Invitae Variant Classification Sherloc (09022015). Collection method: clinical testing. Allele origin: germline.
Comment: This sequence change replaces isoleucine, which is neutral and non-polar, with valine, which is neutral and non-polar, at codon 304 of the CACNA1C protein (p.Ile304Val). This variant is not present in population databases (gnomAD no frequency). This variant has not been reported in the literature in individuals affected with CACNA1C-related conditions. ClinVar contains an entry for this variant (Variation ID: 653199). Invitae Evidence Modeling of protein sequence and biophysical properties (such as structural, functional, and spatial information, amino acid conservation, physicochemical variation, residue mobility, and thermodynamic stability) indicates that this missense variant is not expected to disrupt CACNA1C protein function with a negative predictive value of 95%. In summary, the available evidence is currently insufficient to determine the role of this variant in disease. Therefore, it has been classified as a Variant of Uncertain Significance.

NM_000719.7(CACNA1C):c.910A>G (p.Ile304Val)

Gene: CACNA1C (calcium voltage-gated channel subunit alpha1 C; plus strand). Cytogenetic location: 12p13.33.
Variant type: single nucleotide variant.
Coding change: c.910A>G on transcript NM_000719.7 (MANE Select); coding-DNA position 910, A replaced by G.
Protein change: p.Ile304Val; replaces isoleucine 304 with valine.
Molecular consequence: missense variant.
Genome position (GRCh38, 1-based): chr12:2,486,256, A>G. VCF-style: chr12-2486256-A-G. GRCh37 (hg19) VCF-style: chr12-2595422-A-G.
Other names: c.910A>G, p.Ile304Val (NM_001129837.2, NM_001129838.2, NM_001129839.2 and 19 more transcripts); short protein forms I304V.
Identifiers: ClinVar variation 653199 (VCV000653199.8), dbSNP rs1597763675, ClinGen allele CA383369593.
Genomic context (GRCh38, chr12:2,486,256, plus strand): 5'-ATCATCGGCTTGGAGCTCTTCATGGGGAAGATGCACAAGACCTGCTACAACCAGGAGGGC[A>G]TAGCAGGTAAGAGGGGCAGGCGGCTGCGCTCCCAAGGCCCTGCCCTCTATCGCTCCCAGC-3'
Protein context (NP_000710.5, residues 294-314): MHKTCYNQEG[Ile304Val]ADVPAEDDPS